The following is an entry in ClinVar:

NM_003036.4(SKI):c.241C>G (p.Pro81Ala)

Gene: SKI (SKI proto-oncogene; plus strand). Cytogenetic location: 1p36.33.
Variant type: single nucleotide variant.
Coding change: c.241C>G on transcript NM_003036.4 (MANE Select); coding-DNA position 241, C replaced by G.
Protein change: p.Pro81Ala; replaces proline 81 with alanine.
Molecular consequence: missense variant.
Genome position (GRCh38, 1-based): chr1:2,229,007, C>G. VCF-style: chr1-2229007-C-G. GRCh37 (hg19) VCF-style: chr1-2160446-C-G.
Other names: short protein forms P81A.
Identifiers: ClinVar variation 583134 (VCV000583134.22), dbSNP rs778291636, ClinGen allele CA536354.

ClinVar aggregate classification (germline): Conflicting classifications of pathogenicity. Review status: criteria provided, conflicting classifications (1 of 4 stars). 2 submissions from 2 submitters: Uncertain significance (1); Likely benign (1). Last evaluated 2024-09-01.

Conditions:
Shprintzen-Goldberg syndrome (SGS). Also called: SHPRINTZEN-GOLDBERG CRANIOSYNOSTOSIS SYNDROME; CRANIOSYNOSTOSIS WITH ARACHNODACTYLY AND ABDOMINAL HERNIAS; Marfanoid disorder with craniosynostosis type 1; Marfanoid craniosynostosis syndrome; Shprintzen-Goldberg marfanoid syndrome. Identifiers: Orphanet 2462, MedGen C1321551, MONDO:0008426, OMIM 182212.

Allele frequency attached by ClinVar (database versions not stated): gnomAD below 0.00001 and 0.00001; gnomAD exomes 0.00001 and 0.00003; ExAC 0.00017.
gnomAD v4.1: 12 of 1,570,524 alleles (0.00076%); highest among the groups gnomAD compares: Middle Eastern, 0.018%; 1 homozygote.

Submissions (2):

CeGaT Center for Human Genetics Tuebingen
Classification: Likely benign. Last evaluated: 2024-09-01. Review status: criteria provided, single submitter. Criteria: CeGaT Center For Human Genetics Tuebingen Variant Classification Criteria Version 2. Collection method: clinical testing. Allele origin: germline. Affected: yes. Observed: 1 variant allele.
Comment: SKI: PP2, PP3, BS1

Labcorp Genetics (formerly Invitae), Labcorp
Classification: Uncertain significance for Shprintzen-Goldberg syndrome. Last evaluated: 2018-05-30. Review status: criteria provided, single submitter. Criteria: Invitae Variant Classification Sherloc (09022015). Collection method: clinical testing. Allele origin: germline.
Comment: This sequence change replaces proline with alanine at codon 81 of the SKI protein (p.Pro81Ala). The proline residue is moderately conserved and there is a small physicochemical difference between proline and alanine. In summary, the available evidence is currently insufficient to determine the role of this variant in disease. Therefore, it has been classified as a Variant of Uncertain Significance. Algorithms developed to predict the effect of missense changes on protein structure and function (SIFT, PolyPhen-2, Align-GVGD) all suggest that this variant is likely to be tolerated, but these predictions have not been confirmed by published functional studies and their clinical significance is uncertain. This variant has not been reported in the literature in individuals with SKI-related disease. This variant is present in population databases (rs778291636, ExAC 0.05%).